The following is an entry in ClinVar:

ClinVar aggregate classification (germline): Likely benign. Review status: criteria provided, multiple submitters, no conflicts (2 of 4 stars). 3 submissions from 3 submitters: Likely benign (3). Last evaluated 2025-12-17.

Conditions:
Multiple endocrine neoplasia, type 1 (MEN1). Also called: MEN I; WERMER SYNDROME; MEA I; Endocrine adenomatosis multiple; MEN 1. Identifiers: Orphanet 652, MedGen C0025267, MeSH D018761, MONDO:0007540, OMIM 131100.
Hereditary cancer-predisposing syndrome. Also called: Hereditary neoplastic syndrome; Tumor predisposition; Neoplastic Syndromes, Hereditary; Hereditary Cancer Syndrome. Identifiers: Orphanet 140162, MedGen C0027672, MeSH D009386, MONDO:0015356.

Allele frequency attached by ClinVar (database versions not stated): gnomAD exomes below 0.00001; gnomAD 0.00001.

Submissions (3):

Labcorp Genetics (formerly Invitae), Labcorp
Classification: Likely benign for Multiple endocrine neoplasia, type 1. Last evaluated: 2025-12-17. Review status: criteria provided, single submitter. Criteria: Invitae Variant Classification Sherloc (09022015). Collection method: clinical testing. Allele origin: germline.

All of Us Research Program, National Institutes of Health
Classification: Likely benign for Multiple endocrine neoplasia, type 1. Last evaluated: 2023-10-02. Review status: criteria provided, single submitter. Criteria: ACMG Guidelines, 2015. Collection method: clinical testing. Allele origin: germline. Inheritance: Autosomal dominant inheritance. Observed: 1 variant allele, 1 heterozygote.
Comment: This study involves interpretation of variants in research participants for the purpose of population health screening. Participant phenotype was not available at the time of variant classification. Additional details can be found in publication PMID: 35346344, PMCID: PMC8962531

Ambry Genetics
Classification: Likely benign for Hereditary cancer-predisposing syndrome. Last evaluated: 2023-02-28. Review status: criteria provided, single submitter. Criteria: Ambry Variant Classification Scheme 2023. Collection method: clinical testing. Allele origin: germline.

NM_001370259.2(MEN1):c.1719C>T (p.Ser573=)

Gene: MEN1 (menin 1; minus strand). Cytogenetic location: 11q13.1.
Variant type: single nucleotide variant.
Coding change: c.1719C>T on transcript NM_001370259.2 (MANE Select); coding-DNA position 1719, C replaced by T.
Protein change: p.Ser573=; no amino-acid change (serine 573 retained).
Molecular consequence: synonymous variant. On other transcripts: non-coding transcript variant (4).
Genome position (GRCh38, 1-based): chr11:64,804,448, G>A on the plus strand (C>T on the coding strand, the complement: MEN1 is on the minus strand). VCF-style: chr11-64804448-G-A. GRCh37 (hg19) VCF-style: chr11-64571920-G-A.
Other names: c.1734C>T, p.Ser578= (NM_000244.4, NM_001407145.1, NM_130800.3 and 4 more transcripts); c.1845C>T, p.Ser615= (NM_001370251.2, NM_001407142.1, NM_001407143.1 and 1 more transcripts); c.1719C>T, p.Ser573= (NM_001370260.2, NM_001370261.2, NM_001407146.1 and 2 more transcripts); c.1614C>T, p.Ser538= (NM_001370262.2, NM_001370263.2, NM_001407148.1 and 1 more transcripts); c.1860C>T, p.Ser620= (NM_001407150.1); c.1740C>T, p.Ser580= (NM_001407151.1); c.1554C>T, p.Ser518= (NM_001407152.1).
Identifiers: ClinVar variation 2455741 (VCV002455741.6), dbSNP rs1941496374, ClinGen allele CA475163225.